The following is an entry in ClinVar:

Conditions:
Arteriohepatic dysplasia. Also called: Alagille Syndrome. Identifiers: Orphanet 52, MedGen C0085280, MeSH D016738, MONDO:0007318.

Submission:

Gilbert/Spinner Lab, Children's Hospital of Philadelphia
No classification provided (evidence only). Condition: Alagille syndrome. Review status: no classification provided. Collection method: research. Allele origin: not applicable. Functional consequence: functionally_abnormal.
ClinVar note: "not provided" was previously submitted as the classification for the variant. However, the classification appeared to be based only on an observation of functional data so it was converted to no classification on 2025-07-30.

NM_000214.3(JAG1):c.942C>G (p.Asn314Lys)

Gene: JAG1 (jagged canonical Notch ligand 1; minus strand). Cytogenetic location: 20p12.2.
Variant type: single nucleotide variant.
Coding change: c.942C>G on transcript NM_000214.3 (MANE Select); coding-DNA position 942, C replaced by G.
Protein change: p.Asn314Lys; replaces asparagine 314 with lysine.
Molecular consequence: missense variant.
Genome position (GRCh38, 1-based): chr20:10,652,195, G>C on the plus strand (C>G on the coding strand, the complement: JAG1 is on the minus strand). VCF-style: chr20-10652195-G-C. GRCh37 (hg19) VCF-style: chr20-10632843-G-C.
Other names: short protein forms N314K.
Identifiers: ClinVar variation 3573196 (VCV003573196.2).